The following is an entry in ClinVar:

NM_015910.7(WDPCP):c.1055T>A (p.Leu352Gln)

Gene: WDPCP (WD repeat containing planar cell polarity effector; minus strand). Cytogenetic location: 2p15.
Variant type: single nucleotide variant.
Coding change: c.1055T>A on transcript NM_015910.7 (MANE Select); coding-DNA position 1055, T replaced by A.
Protein change: p.Leu352Gln; replaces leucine 352 with glutamine.
Molecular consequence: missense variant. On other transcripts: non-coding transcript variant (3).
Genome position (GRCh38, 1-based): chr2:63,404,428, A>T on the plus strand (T>A on the coding strand, the complement: WDPCP is on the minus strand). VCF-style: chr2-63404428-A-T. GRCh37 (hg19) VCF-style: chr2-63631563-A-T.
Other names: c.1055T>A (NM_015910.5); c.578T>A, p.Leu193Gln (NM_001042692.3); c.983T>A, p.Leu328Gln (NM_001354044.2); c.1055T>A, p.Leu352Gln (NM_001354045.2); short protein forms L193Q, L328Q, L352Q.
Identifiers: ClinVar variation 1443227 (VCV001443227.8), dbSNP rs373387599, ClinGen allele CA1682294.
Genomic context (GRCh38, chr2:63,404,428, plus strand): 5'-AGAGTCACTCTACGGTGAGTTTCATAAAGAATTAGCGAAGAATCTTCACAGCCCAGAATC[A>T]GTTTGTCTTCAGTAACATTCCTGCAGCAGCTGATGGCCTTTGACTTTAGTGGTATTCTGG-3'
Protein context (NP_056994.3, residues 342-362): SCCRNVTEDK[Leu352Gln]ILGCEDSSLI

ClinVar aggregate classification (germline): Conflicting classifications of pathogenicity. Review status: criteria provided, conflicting classifications (1 of 4 stars). 3 submissions from 3 submitters: Uncertain significance (2); Likely benign (1). Last evaluated 2025-09-22.

Conditions:
Inborn genetic diseases. Identifiers: MedGen C0950123, MeSH D030342.
WDPCP-related disorder. Also called: WDPCP-related condition.
Bardet-Biedl syndrome (BBS). Identifiers: Orphanet 110, MedGen C0752166, MONDO:0015229.

Allele frequency attached by ClinVar (database versions not stated): gnomAD exomes below 0.00001 and 0.00004; ExAC 0.00004; TOPMed 0.00007; gnomAD 0.00008 and 0.00009; ESP Exome Variant Server 0.00016.
gnomAD v4.1: 19 of 1,614,040 alleles (0.0012%); highest among the groups gnomAD compares: African/African-American, 0.025%; no homozygotes.

Submissions (3):

PreventionGenetics, part of Exact Sciences
Classification: Uncertain significance for WDPCP-related condition. Last evaluated: 2025-09-22. Review status: criteria provided, single submitter. Criteria: ACMG Guidelines, 2015. Collection method: clinical testing. Allele origin: germline.
Comment: The WDPCP c.1055T>A variant is predicted to result in the amino acid substitution p.Leu352Gln. To our knowledge, this variant has not been reported in the literature. This variant is reported in 0.045% of alleles in individuals of African descent in gnomAD. Although we suspect that this variant may be benign, at this time, the clinical significance of this variant is uncertain due to the absence of conclusive functional and genetic evidence.

Ambry Genetics
Classification: Likely benign for Inborn genetic diseases. Last evaluated: 2022-07-21. Review status: criteria provided, single submitter. Criteria: Ambry Variant Classification Scheme 2023. Collection method: clinical testing. Allele origin: germline.

Labcorp Genetics (formerly Invitae), Labcorp
Classification: Uncertain significance for Bardet-Biedl syndrome. Last evaluated: 2022-05-04. Review status: criteria provided, single submitter. Criteria: Invitae Variant Classification Sherloc (09022015). Collection method: clinical testing. Allele origin: germline.
Comment: Algorithms developed to predict the effect of missense changes on protein structure and function (SIFT, PolyPhen-2, Align-GVGD) all suggest that this variant is likely to be disruptive. In summary, the available evidence is currently insufficient to determine the role of this variant in disease. Therefore, it has been classified as a Variant of Uncertain Significance. This variant has not been reported in the literature in individuals affected with WDPCP-related conditions. This variant is present in population databases (rs373387599, gnomAD 0.05%). This sequence change replaces leucine, which is neutral and non-polar, with glutamine, which is neutral and polar, at codon 352 of the WDPCP protein (p.Leu352Gln).